The following is an entry in ClinVar:

NM_021008.4(DEAF1):c.364G>A (p.Ala122Thr)

Gene: DEAF1 (DEAF1 transcription factor; minus strand). Cytogenetic location: 11p15.5.
Variant type: single nucleotide variant.
Coding change: c.364G>A on transcript NM_021008.4 (MANE Select); coding-DNA position 364, G replaced by A.
Protein change: p.Ala122Thr; replaces alanine 122 with threonine.
Molecular consequence: missense variant. On other transcripts: 5 prime UTR variant (1).
Genome position (GRCh38, 1-based): chr11:691,524, C>T on the plus strand (G>A on the coding strand, the complement: DEAF1 is on the minus strand). VCF-style: chr11-691524-C-T. GRCh37 (hg19) VCF-style: chr11-691524-C-T.
Other names: c.364G>A, p.Ala122Thr (NM_001293634.2); c.-363G>A (NM_001367390.1); short protein forms A122T.
Identifiers: ClinVar variation 1465420 (VCV001465420.6), dbSNP rs868811033, ClinGen allele CA216909286.

ClinVar aggregate classification (germline): Uncertain significance (1 of 4 stars; one submission).

Submission:

Labcorp Genetics (formerly Invitae), Labcorp
Classification: Uncertain significance. Last evaluated: 2021-08-19. Review status: criteria provided, single submitter. Criteria: Invitae Variant Classification Sherloc (09022015). Collection method: clinical testing. Allele origin: germline.
Comment: This variant has not been reported in the literature in individuals affected with DEAF1-related conditions. This variant is not present in population databases (ExAC no frequency). This sequence change replaces alanine with threonine at codon 122 of the DEAF1 protein (p.Ala122Thr). The alanine residue is highly conserved and there is a small physicochemical difference between alanine and threonine. Advanced modeling of protein sequence and biophysical properties (such as structural, functional, and spatial information, amino acid conservation, physicochemical variation, residue mobility, and thermodynamic stability) performed at Invitae indicates that this missense variant is not expected to disrupt DEAF1 protein function. In summary, the available evidence is currently insufficient to determine the role of this variant in disease. Therefore, it has been classified as a Variant of Uncertain Significance.